The following is an entry in ClinVar:

NM_017780.4(CHD7):c.7830+6T>G

Gene: CHD7 (chromodomain helicase DNA binding protein 7; plus strand). Cytogenetic location: 8q12.2.
Variant type: single nucleotide variant.
Coding change: c.7830+6T>G on transcript NM_017780.4 (MANE Select); 6 bases into the intron after coding-DNA position 7830, T replaced by G.
Molecular consequence: intron variant.
Genome position (GRCh38, 1-based): chr8:60,861,131, T>G. VCF-style: chr8-60861131-T-G. GRCh37 (hg19) VCF-style: chr8-61773690-T-G.
Other names: c.1717-1098T>G (NM_001316690.1).
Identifiers: ClinVar variation 3667679 (VCV003667679.2).

ClinVar aggregate classification (germline): Uncertain significance (1 of 4 stars; one submission).

Conditions:
CHARGE syndrome (CHARGE). Also called: Hittner Hirsch Kreh syndrome; CHARGE ASSOCIATION--COLOBOMA, HEART ANOMALY, CHOANAL ATRESIA, RETARDATION, GENITAL AND EAR ANOMALIES; Coloboma, heart anomaly, choanal atresia, retardation, genital and ear anomalies; CHARGE association; Hall-Hittner syndrome. Identifiers: Orphanet 138, MedGen C0265354, MONDO:0008965.

Submission:

Labcorp Genetics (formerly Invitae), Labcorp
Classification: Uncertain significance for CHARGE syndrome. Last evaluated: 2024-04-11. Review status: criteria provided, single submitter. Criteria: Invitae Variant Classification Sherloc (09022015). Collection method: clinical testing. Allele origin: germline.
Comment: This sequence change falls in intron 35 of the CHD7 gene. It does not directly change the encoded amino acid sequence of the CHD7 protein. It affects a nucleotide within the consensus splice site. This variant is not present in population databases (gnomAD no frequency). This variant has not been reported in the literature in individuals affected with CHD7-related conditions. Variants that disrupt the consensus splice site are a relatively common cause of aberrant splicing (PMID: 17576681, 9536098). Algorithms developed to predict the effect of sequence changes on RNA splicing suggest that this variant may disrupt the consensus splice site. In summary, the available evidence is currently insufficient to determine the role of this variant in disease. Therefore, it has been classified as a Variant of Uncertain Significance.

Literature cited by the submitters: PubMed 17576681; PubMed 9536098.